The following is an entry in ClinVar:

NM_080473.5(GATA5):c.683G>A (p.Arg228Gln)

Gene: GATA5 (GATA binding protein 5; minus strand). Cytogenetic location: 20q13.33.
Variant type: single nucleotide variant.
Coding change: c.683G>A on transcript NM_080473.5 (MANE Select); coding-DNA position 683, G replaced by A.
Protein change: p.Arg228Gln; replaces arginine 228 with glutamine.
Molecular consequence: missense variant.
Genome position (GRCh38, 1-based): chr20:62,473,419, C>T on the plus strand (G>A on the coding strand, the complement: GATA5 is on the minus strand). VCF-style: chr20-62473419-C-T. GRCh37 (hg19) VCF-style: chr20-61048475-C-T.
Other names: short protein forms R228Q.
Identifiers: ClinVar variation 1373786 (VCV001373786.9), dbSNP rs144579982, ClinGen allele CA9946247.

ClinVar aggregate classification (germline): Uncertain significance. Review status: criteria provided, multiple submitters, no conflicts (2 of 4 stars). 2 submissions from 2 submitters: Uncertain significance (2). Last evaluated 2026-01-01.

Allele frequency attached by ClinVar (database versions not stated): ExAC 0.00005; gnomAD 0.00006 and 0.00007; TOPMed 0.00010; ESP Exome Variant Server 0.00015; 1000 Genomes Project 30x 0.00016; 1000 Genomes Project 0.00020; gnomAD exomes 0.00002.

Submissions (2):

Labcorp Genetics (formerly Invitae), Labcorp
Classification: Uncertain significance. Last evaluated: 2026-01-01. Review status: criteria provided, single submitter. Criteria: Invitae Variant Classification Sherloc (09022015). Collection method: clinical testing. Allele origin: germline.
Comment: This sequence change replaces arginine, which is basic and polar, with glutamine, which is neutral and polar, at codon 228 of the GATA5 protein (p.Arg228Gln). The frequency data for this variant in the population databases is considered unreliable, as metrics indicate poor data quality at this position in the gnomAD database. This missense change has been observed in individual(s) with clinical features of congenital heart disease (PMID: 33448881). ClinVar contains an entry for this variant (Variation ID: 1373786). Invitae Evidence Modeling of protein sequence and biophysical properties (such as structural, functional, and spatial information, amino acid conservation, physicochemical variation, residue mobility, and thermodynamic stability) indicates that this missense variant is not expected to disrupt GATA5 protein function with a negative predictive value of 80%. In summary, the available evidence is currently insufficient to determine the role of this variant in disease. Therefore, it has been classified as a Variant of Uncertain Significance.

Breakthrough Genomics
Classification: Uncertain significance. Review status: criteria provided, single submitter. Criteria: ACMG Guidelines, 2015. Collection method: not provided. Allele origin: germline. Inheritance: Autosomal dominant inheritance. Affected: yes.

Literature cited by the submitters: PubMed 33448881 (cited by Labcorp Genetics (formerly Invitae), Labcorp).